The following is an entry in ClinVar:

ClinVar aggregate classification (germline): Benign (0 of 4 stars; one submission).

Conditions:
MDN1-related disorder. Also called: MDN1-related condition.

Allele frequency attached by ClinVar (database versions not stated): 1000 Genomes Project 30x 0.00094; 1000 Genomes Project 0.00120; TOPMed 0.00184; gnomAD 0.00244 and 0.00257; ESP Exome Variant Server 0.00292; gnomAD exomes 0.00304 and 0.00305; ExAC 0.00350.
gnomAD v4.1: 4,771 of 1,610,774 alleles (0.3%); highest among the groups gnomAD compares: Non-Finnish European, 0.34%; 8 homozygotes.

Submission:

PreventionGenetics, part of Exact Sciences
Classification: Benign for MDN1-related condition. Last evaluated: 2019-06-14. Review status: no assertion criteria provided. Collection method: clinical testing. Allele origin: germline.
Comment: This variant is classified as benign based on ACMG/AMP sequence variant interpretation guidelines (Richards et al. 2015 PMID: 25741868, with internal and published modifications).

NM_014611.3(MDN1):c.16547C>T (p.Ala5516Val)

Genes: MDN1 (midasin AAA ATPase 1; minus strand), MDN1-AS1 (MDN1 antisense RNA 1; plus strand). Cytogenetic location: 6q15.
Variant type: single nucleotide variant.
Coding change: c.16547C>T on transcript NM_014611.3 (MANE Select); coding-DNA position 16547, C replaced by T.
Protein change: p.Ala5516Val; replaces alanine 5516 with valine.
Molecular consequence: missense variant.
Genome position (GRCh38, 1-based): chr6:89,645,070, G>A on the plus strand (C>T on the coding strand, the complement: MDN1 is on the minus strand). VCF-style: chr6-89645070-G-A. GRCh37 (hg19) VCF-style: chr6-90354789-G-A.
Other names: c.16547C>T (NM_014611.2); short protein forms A5516V.
Identifiers: ClinVar variation 440952 (VCV000440952.4), dbSNP rs34750131, ClinGen allele CA3921939.